The following is an entry in ClinVar:

ClinVar aggregate classification (germline): Uncertain significance (1 of 4 stars; one submission).

Conditions:
Atrioventricular septal defect 5 (AVSD5). Identifiers: MedGen C3280939, MONDO:0013769, OMIM 614474.

Submission:

Labcorp Genetics (formerly Invitae), Labcorp
Classification: Uncertain significance for Atrioventricular septal defect 5. Last evaluated: 2025-05-14. Review status: criteria provided, single submitter. Criteria: Invitae Variant Classification Sherloc (09022015). Collection method: clinical testing. Allele origin: germline.
Comment: This sequence change replaces glycine, which is neutral and non-polar, with aspartic acid, which is acidic and polar, at codon 104 of the GATA6 protein (p.Gly104Asp). This variant is not present in population databases (gnomAD no frequency). This variant has not been reported in the literature in individuals affected with GATA6-related conditions. An algorithm developed to predict the effect of missense changes on protein structure and function (PolyPhen-2) suggests that this variant is likely to be tolerated. In summary, the available evidence is currently insufficient to determine the role of this variant in disease. Therefore, it has been classified as a Variant of Uncertain Significance.

NM_005257.6(GATA6):c.311G>A (p.Gly104Asp)

Gene: GATA6 (GATA binding protein 6; plus strand). Cytogenetic location: 18q11.2.
Variant type: single nucleotide variant.
Coding change: c.311G>A on transcript NM_005257.6 (MANE Select); coding-DNA position 311, G replaced by A.
Protein change: p.Gly104Asp; replaces glycine 104 with aspartic acid.
Molecular consequence: missense variant.
Genome position (GRCh38, 1-based): chr18:22,171,455, G>A. VCF-style: chr18-22171455-G-A. GRCh37 (hg19) VCF-style: chr18-19751416-G-A.
Other names: short protein forms G104D.
Identifiers: ClinVar variation 4695797 (VCV004695797.1).